The following is an entry in ClinVar:

NM_000443.4(ABCB4):c.3486+5G>A

Gene: ABCB4 (ATP binding cassette subfamily B member 4; minus strand). Cytogenetic location: 7q21.12.
Variant type: single nucleotide variant.
Coding change: c.3486+5G>A on transcript NM_000443.4 (MANE Select); 5 bases into the intron after coding-DNA position 3486, G replaced by A.
Molecular consequence: intron variant.
Genome position (GRCh38, 1-based): chr7:87,406,283, C>T on the plus strand (G>A on the coding strand, the complement: ABCB4 is on the minus strand). VCF-style: chr7-87406283-C-T. GRCh37 (hg19) VCF-style: chr7-87035599-C-T.
Other names: c.3345+5G>A (NM_018850.3); c.3507+5G>A (NM_018849.3).
Identifiers: ClinVar variation 4846369 (VCV004846369.2).

ClinVar aggregate classification (germline): Likely pathogenic. Review status: criteria provided, multiple submitters, no conflicts (2 of 4 stars). 2 submissions from 2 submitters: Likely pathogenic (2). Last evaluated 2026-04-14.

Conditions:
Familial intrahepatic cholestasis. Identifiers: Orphanet 284385, MedGen CN296401, MONDO:0017290.
Low phospholipid associated cholelithiasis (GBD1). Also called: Gallstone cholecystitis; Gallbladder disease 1. Identifiers: Orphanet 69663, MedGen C2609268, MONDO:0010939, OMIM 600803.
ABCB4-related disorder. Also called: ABCB4-related disorders; ABCB4-related condition.

Submissions (2):

Genomenon, Inc
Classification: Likely pathogenic for Familial intrahepatic cholestasis; Low phospholipid associated cholelithiasis. Last evaluated: 2026-04-14. Review status: criteria provided, single submitter. Criteria: Genomenon Sequence Variant Interpretation Standards - Updated. Collection method: curation. Allele origin: germline. Affected: yes.
Comment: ABCB4 c.3486+5G>A is an intronic variant located in the donor splice region of intron 26. This variant has been observed in at least one proband with an ABCB4-related disorder (PMID:29761167;28733223;17187437). The variant was found to segregate with disease in at least one affected family (PMID:17187437). At least one splicing study demonstrated this variant results in aberrant splicing (PMID:17187437). It is absent or not present at a significant frequency in gnomAD. In conclusion, we classify ABCB4 c.3486+5G>A as a likely pathogenic variant.

Blueprint Genetics
Classification: Likely pathogenic for ABCB4-related disorders. Last evaluated: 2024-09-24. Review status: criteria provided, single submitter. Criteria: ACMG Guidelines, 2015. Collection method: clinical testing. Allele origin: germline. Affected: yes. Observed: 5 variant alleles.

Literature cited by the submitters: PubMed 29761167 (cited by Genomenon, Inc); PubMed 28733223 (cited by Genomenon, Inc); PubMed 17187437 (cited by Genomenon, Inc).